The following is an entry in ClinVar:

NM_002294.3(LAMP2):c.*853G>A

Gene: LAMP2 (lysosome associated membrane protein 2; minus strand). Cytogenetic location: Xq24.
Variant type: single nucleotide variant.
Coding change: c.*853G>A on transcript NM_002294.3 (MANE Select); 853 bases downstream of the stop codon, G replaced by A.
Molecular consequence: 3 prime UTR variant. On other transcripts: intron variant (1).
Genome position (GRCh38, 1-based): chrX:120,430,470, C>T on the plus strand (G>A on the coding strand, the complement: LAMP2 is on the minus strand). VCF-style: chrX-120430470-C-T. GRCh37 (hg19) VCF-style: chrX-119564325-C-T.
Other names: c.1094-1844G>A (NM_001122606.1).
Identifiers: ClinVar variation 367776 (VCV000367776.31), dbSNP rs763861761, ClinGen allele CA10645861.
Genomic context (GRCh38, chrX:120,430,470, plus strand): 5'-CTGATGACAACACTAAATAGATTTTAATGCTCCAGAGATCAACAAGATGAGGTAGAGAAA[C>T]ACAACACAATCTGTCCTAATTAGTTCATAGAATATTTCTATCTTTCAATACTAATCAGGC-3'

ClinVar aggregate classification (germline): Conflicting classifications of pathogenicity. Review status: criteria provided, conflicting classifications (1 of 4 stars). 2 submissions from 2 submitters: Uncertain significance (1); Likely benign (1). Last evaluated 2023-07-01.

Conditions:
Danon disease. Also called: PSEUDOGLYCOGENOSIS II; GSD IIb; LYSOSOMAL GLYCOGEN STORAGE DISEASE WITHOUT ACID MALTASE DEFICIENCY; ANTOPOL DISEASE; Glycogen Storage Disease Type IIb. Identifiers: Orphanet 34587, MedGen C0878677, MONDO:0010281, OMIM 300257.

Allele frequency attached by ClinVar (database versions not stated): gnomAD 0.00083 and 0.00088; TOPMed 0.00090.
gnomAD v4.1: 1,614 of 751,214 alleles (0.21%); highest among the groups gnomAD compares: Non-Finnish European, 0.24%; 3 homozygotes.

Submissions (2):

CeGaT Center for Human Genetics Tuebingen
Classification: Likely benign. Last evaluated: 2023-07-01. Review status: criteria provided, single submitter. Criteria: CeGaT Center For Human Genetics Tuebingen Variant Classification Criteria Version 2. Collection method: clinical testing. Allele origin: germline. Affected: yes. Observed: 2 variant alleles.
Comment: LAMP2: BS2

Illumina Laboratory Services, Illumina
Classification: Uncertain significance for Danon disease. Last evaluated: 2018-01-12. Review status: criteria provided, single submitter. Criteria: ICSL Variant Classification Criteria 13 December 2019. Collection method: clinical testing. Allele origin: germline.